The following is an entry in ClinVar:

ClinVar aggregate classification (germline): Benign. Review status: criteria provided, single submitter (1 of 4 stars). 2 submissions from 2 submitters: Benign (1). 1 of the submissions does not count toward it. Last evaluated 2025-07-05.

Conditions:
RAB11B-related disorder. Also called: RAB11B-related condition.

Allele frequency attached by ClinVar (database versions not stated): gnomAD 0.00001 and 0.00009; gnomAD exomes 0.00035; 1000 Genomes Project 30x 0.00078; 1000 Genomes Project 0.00100.

Submissions (2):

Labcorp Genetics (formerly Invitae), Labcorp
Classification: Benign. Last evaluated: 2025-07-05. Review status: criteria provided, single submitter. Criteria: Invitae Variant Classification Sherloc (09022015). Collection method: clinical testing. Allele origin: germline.

PreventionGenetics, part of Exact Sciences
Classification: Likely benign for RAB11B-related condition. Last evaluated: 2019-10-28. Review status: no assertion criteria provided. Collection method: clinical testing. Allele origin: germline. Not counted in ClinVar's aggregate classification.
Comment: This variant is classified as likely benign based on ACMG/AMP sequence variant interpretation guidelines (Richards et al. 2015 PMID: 25741868, with internal and published modifications).

NM_004218.4(RAB11B):c.87G>A (p.Ser29=)

Gene: RAB11B (RAB11B, member RAS oncogene family; plus strand). Cytogenetic location: 19p13.2.
Variant type: single nucleotide variant.
Coding change: c.87G>A on transcript NM_004218.4 (MANE Select); coding-DNA position 87, G replaced by A.
Protein change: p.Ser29=; no amino-acid change (serine 29 retained).
Molecular consequence: synonymous variant.
Genome position (GRCh38, 1-based): chr19:8,399,909, G>A. VCF-style: chr19-8399909-G-A. GRCh37 (hg19) VCF-style: chr19-8464793-G-A.
Other names: c.87G>A (NM_004218.3).
Identifiers: ClinVar variation 1567163 (VCV001567163.10), dbSNP rs200833450, ClinGen allele CA9156286.